The following is an entry in ClinVar:

ClinVar aggregate classification (germline): Uncertain significance (1 of 4 stars; one submission).

Conditions:
Intellectual developmental disorder, X-linked 1. Also called: Atkin Flaitz Patil Smith syndrome; MENTAL RETARDATION, X-LINKED 18; MENTAL RETARDATION, X-LINKED 78; Intellectual disability, X-linked 1. Identifiers: Orphanet 777, MedGen C2931498, MONDO:0010656, OMIM 309530.

Submission:

3billion
Classification: Uncertain significance for Intellectual developmental disorder, X-linked 1. Last evaluated: 2025-06-11. Review status: criteria provided, single submitter. Criteria: ACMG Guidelines, 2015. Collection method: clinical testing. Allele origin: germline. Affected: yes.
Comment: The variant is not observed in the gnomAD v4.1.0 dataset. Predicted Consequence/Location: Intron variant In silico tools predict the variant to alter splicing and produce an abnormal transcript [SpliceAI: 0.97 (>=0.2, moderate evidence for spliceogenicity)]. Therefore, this variant is classified as VUS according to the recommendation of ACMG/AMP guideline.

NM_001111125.3(IQSEC2):c.737+5G>C

Gene: IQSEC2 (IQ motif and Sec7 domain ArfGEF 2; minus strand). Cytogenetic location: Xp11.22.
Variant type: single nucleotide variant.
Coding change: c.737+5G>C on transcript NM_001111125.3 (MANE Select); 5 bases into the intron after coding-DNA position 737, G replaced by C.
Molecular consequence: intron variant.
Genome position (GRCh38, 1-based): chrX:53,291,890, C>G on the plus strand (G>C on the coding strand, the complement: IQSEC2 is on the minus strand). VCF-style: chrX-53291890-C-G. GRCh37 (hg19) VCF-style: chrX-53321072-C-G.
Other names: c.737+5G>C (NM_001410736.1, NM_001441092.1).
Identifiers: ClinVar variation 4854705 (VCV004854705.1).